The following is an entry in ClinVar:

ClinVar aggregate classification (germline): Likely benign. Review status: criteria provided, single submitter (1 of 4 stars). 2 submissions from 2 submitters: Likely benign (1). 1 of the submissions does not count toward it. Last evaluated 2026-08-01.

Conditions:
DNMBP-related disorder. Also called: DNMBP-related condition.

Allele frequency attached by ClinVar (database versions not stated): ExAC 0.00134; ESP Exome Variant Server 0.00338; gnomAD 0.00346; TOPMed 0.00378; 1000 Genomes Project 0.00499; 1000 Genomes Project 30x 0.00609.
gnomAD v4.1: 1,322 of 1,614,100 alleles (0.082%); highest among the groups gnomAD compares: African/African-American, 1.2%; 4 homozygotes.

Submissions (2):

CeGaT Center for Human Genetics Tuebingen
Classification: Likely benign. Last evaluated: 2026-08-01. Review status: criteria provided, single submitter. Criteria: CeGaT Center For Human Genetics Tuebingen Variant Classification Criteria Version 2. Collection method: clinical testing. Allele origin: germline. Affected: yes. Observed: 1 variant allele.
Comment: DNMBP: BP4, BS1

PreventionGenetics, part of Exact Sciences
Classification: Benign for DNMBP-related condition. Last evaluated: 2019-11-06. Review status: no assertion criteria provided. Collection method: clinical testing. Allele origin: germline. Not counted in ClinVar's aggregate classification.
Comment: This variant is classified as benign based on ACMG/AMP sequence variant interpretation guidelines (Richards et al. 2015 PMID: 25741868, with internal and published modifications).

NM_015221.4(DNMBP):c.243G>T (p.Glu81Asp)

Gene: DNMBP (dynamin binding protein; minus strand). Cytogenetic location: 10q24.2.
Variant type: single nucleotide variant.
Coding change: c.243G>T on transcript NM_015221.4 (MANE Select); coding-DNA position 243, G replaced by T.
Protein change: p.Glu81Asp; replaces glutamic acid 81 with aspartic acid.
Molecular consequence: missense variant.
Genome position (GRCh38, 1-based): chr10:99,969,140, C>A on the plus strand (G>T on the coding strand, the complement: DNMBP is on the minus strand). VCF-style: chr10-99969140-C-A. GRCh37 (hg19) VCF-style: chr10-101728897-C-A.
Other names: short protein forms E81D.
Identifiers: ClinVar variation 3045208 (VCV003045208.3), dbSNP rs12267912, ClinGen allele CA5645431.